The following is an entry in ClinVar:

NM_025074.7(FRAS1):c.9183G>A (p.Ala3061=)

Gene: FRAS1 (Fraser extracellular matrix complex subunit 1; plus strand). Cytogenetic location: 4q21.21.
Variant type: single nucleotide variant.
Coding change: c.9183G>A on transcript NM_025074.7 (MANE Select); coding-DNA position 9183, G replaced by A.
Protein change: p.Ala3061=; no amino-acid change (alanine 3061 retained).
Molecular consequence: synonymous variant.
Genome position (GRCh38, 1-based): chr4:78,499,788, G>A. VCF-style: chr4-78499788-G-A. GRCh37 (hg19) VCF-style: chr4-79420942-G-A.
Identifiers: ClinVar variation 349782 (VCV000349782.16), dbSNP rs139589570, ClinGen allele CA2978605.
Genomic context (GRCh38, chr4:78,499,788, plus strand): 5'-CATTGAGTTTGAAGAAGCTGCATACCAAGTCCGGGAACCCGCAGGCCCAGATGCCATTGC[G>A]ATTCTGAACATCAAGGTGATCCGCAGAGGGGATCAGAACAGGACCTCCAAGGTTCGCTGC-3'
Protein context (NP_079350.5, residues 3051-3071): VREPAGPDAI[Ala3061=]ILNIKVIRRG

ClinVar aggregate classification (germline): Benign/Likely benign. Review status: criteria provided, multiple submitters, no conflicts (2 of 4 stars). 4 submissions from 4 submitters: Benign (2); Likely benign (2). Last evaluated 2026-07-01.

Conditions:
Fraser syndrome 1 (FRASRS1). Also called: CRYPTOPHTHALMOS WITH OTHER MALFORMATIONS. Identifiers: Orphanet 2052, MedGen C4551480, MONDO:0054737, OMIM 219000.

Allele frequency attached by ClinVar (database versions not stated): gnomAD exomes 0.00042 and 0.00114; ExAC 0.00147; 1000 Genomes Project 0.00419; 1000 Genomes Project 30x 0.00422; gnomAD 0.00429 and 0.00463; TOPMed 0.00462; ESP Exome Variant Server 0.00483.
gnomAD v4.1: 1,284 of 1,613,918 alleles (0.08%); highest among the groups gnomAD compares: African/African-American, 1.5%; 11 homozygotes.

Submissions (4):

CeGaT Center for Human Genetics Tuebingen
Classification: Likely benign. Last evaluated: 2026-07-01. Review status: criteria provided, single submitter. Criteria: CeGaT Center For Human Genetics Tuebingen Variant Classification Criteria Version 2. Collection method: clinical testing. Allele origin: germline. Affected: yes. Observed: 1 variant allele.
Comment: FRAS1: BP4, BP7, BS1

Labcorp Genetics (formerly Invitae), Labcorp
Classification: Benign. Last evaluated: 2026-01-28. Review status: criteria provided, single submitter. Criteria: Invitae Variant Classification Sherloc (09022015). Collection method: clinical testing. Allele origin: germline.

Blueprint Genetics
Classification: Likely benign. Last evaluated: 2024-11-13. Review status: criteria provided, single submitter. Criteria: ACMG Guidelines, 2015. Collection method: clinical testing. Allele origin: germline.

Illumina Laboratory Services, Illumina
Classification: Benign for Fraser syndrome 1. Last evaluated: 2018-01-13. Review status: criteria provided, single submitter. Criteria: ICSL Variant Classification Criteria 13 December 2019. Collection method: clinical testing. Allele origin: germline.
Comment: This variant was observed in the ICSL laboratory as part of a predisposition screen in an ostensibly healthy population. It had not been previously curated by ICSL or reported in the Human Gene Mutation Database (HGMD: prior to June 1st, 2018), and was therefore a candidate for classification through an automated scoring system. Utilizing variant allele frequency, disease prevalence and penetrance estimates, and inheritance mode, an automated score was calculated to assess if this variant is too frequent to cause the disease. Based on the score and internal cut-off values, a variant classified as benign is not then subjected to further curation. The score for this variant resulted in a classification of benign for this disease.